The following is an entry in ClinVar:

NM_178862.3(STT3B):c.448G>T (p.Ala150Ser)

Gene: STT3B (STT3 oligosaccharyltransferase complex catalytic subunit B; plus strand). Cytogenetic location: 3p23.
Variant type: single nucleotide variant.
Coding change: c.448G>T on transcript NM_178862.3 (MANE Select); coding-DNA position 448, G replaced by T.
Protein change: p.Ala150Ser; replaces alanine 150 with serine.
Molecular consequence: missense variant.
Genome position (GRCh38, 1-based): chr3:31,579,833, G>T. VCF-style: chr3-31579833-G-T. GRCh37 (hg19) VCF-style: chr3-31621325-G-T.
Other names: short protein forms A150S.
Identifiers: ClinVar variation 2746656 (VCV002746656.3), dbSNP rs755833826, ClinGen allele CA2294953.

ClinVar aggregate classification (germline): Uncertain significance (1 of 4 stars; one submission).

Conditions:
STT3B-congenital disorder of glycosylation. Also called: CDG Ix; Congenital disorder of glycosylation type 1x; STT3B-CDG. Identifiers: Orphanet 370924, MedGen C2931007, MONDO:0014271, OMIM 615597.

Allele frequency attached by ClinVar (database versions not stated): TOPMed 0.00002.
gnomAD v4.1: 12 of 1,612,760 alleles (0.00074%); highest among the groups gnomAD compares: Non-Finnish European, 0.001%; no homozygotes.

Submission:

Labcorp Genetics (formerly Invitae), Labcorp
Classification: Uncertain significance for STT3B-congenital disorder of glycosylation. Last evaluated: 2024-03-07. Review status: criteria provided, single submitter. Criteria: Invitae Variant Classification Sherloc (09022015). Collection method: clinical testing. Allele origin: germline.
Comment: This sequence change replaces alanine, which is neutral and non-polar, with serine, which is neutral and polar, at codon 150 of the STT3B protein (p.Ala150Ser). This variant is present in population databases (rs755833826, gnomAD 0.007%). This variant has not been reported in the literature in individuals affected with STT3B-related conditions. An algorithm developed to predict the effect of missense changes on protein structure and function (PolyPhen-2) suggests that this variant is likely to be tolerated. In summary, the available evidence is currently insufficient to determine the role of this variant in disease. Therefore, it has been classified as a Variant of Uncertain Significance.